The following is an entry in ClinVar:

ClinVar aggregate classification (germline): Uncertain significance (1 of 4 stars; one submission).

gnomAD v4.1: 2 of 1,613,898 alleles (0.00012%); highest among the groups gnomAD compares: African/African-American, 0.0027%; no homozygotes.

Submission:

Labcorp Genetics (formerly Invitae), Labcorp
Classification: Uncertain significance. Last evaluated: 2022-06-27. Review status: criteria provided, single submitter. Criteria: Invitae Variant Classification Sherloc (09022015). Collection method: clinical testing. Allele origin: germline.
Comment: In summary, the available evidence is currently insufficient to determine the role of this variant in disease. Therefore, it has been classified as a Variant of Uncertain Significance. This sequence change replaces lysine, which is basic and polar, with arginine, which is basic and polar, at codon 998 of the PCLO protein (p.Lys998Arg). This variant is not present in population databases (gnomAD no frequency). This variant has not been reported in the literature in individuals affected with PCLO-related conditions. Algorithms developed to predict the effect of missense changes on protein structure and function are either unavailable or do not agree on the potential impact of this missense change (SIFT: "Tolerated"; PolyPhen-2: "Not Available"; Align-GVGD: "Class C0").

NM_033026.6(PCLO):c.2993A>G (p.Lys998Arg)

Gene: PCLO (piccolo presynaptic cytomatrix protein; minus strand). Cytogenetic location: 7q21.11.
Variant type: single nucleotide variant.
Coding change: c.2993A>G on transcript NM_033026.6 (MANE Select); coding-DNA position 2993, A replaced by G.
Protein change: p.Lys998Arg; replaces lysine 998 with arginine.
Molecular consequence: missense variant.
Genome position (GRCh38, 1-based): chr7:83,134,557, T>C on the plus strand (A>G on the coding strand, the complement: PCLO is on the minus strand). VCF-style: chr7-83134557-T-C. GRCh37 (hg19) VCF-style: chr7-82763873-T-C.
Other names: c.2993A>G, p.Lys998Arg (NM_014510.3); short protein forms K998R.
Identifiers: ClinVar variation 1508464 (VCV001508464.7), dbSNP rs759008624, ClinGen allele CA367898048.
Genomic context (GRCh38, chr7:83,134,557, plus strand): 5'-ACTGTTGGAGCTTGTTCAGCTTTGGGCTCTAATTTTTCAGCTGCTGGGGCTTTTGTTTCC[T>C]TTTTCACAGGTATACTTTTTGCAGGTGCTGGTGGTGCTTGACCTGTGGATTTGGGTGGCC-3'
Protein context (NP_149015.2, residues 988-1008): PAPAKSIPVK[Lys998Arg]ETKAPAAEKL